The following is an entry in ClinVar:

ClinVar aggregate classification (germline): Likely pathogenic (1 of 4 stars; one submission).

Conditions:
Developmental and epileptic encephalopathy, 18 (DEE18). Also called: Early infantile epileptic encephalopathy 18. Identifiers: Orphanet 369894, MedGen C3809624, MONDO:0014201, OMIM 615476.

Submission:

Johns Hopkins Genomics, Johns Hopkins University
Classification: Likely pathogenic for Developmental and epileptic encephalopathy, 18. Last evaluated: 2024-10-20. Review status: criteria provided, single submitter. Criteria: ACMG Guidelines, 2015. Collection method: clinical testing. Allele origin: germline.
Comment: It is absent from a large population dataset, and has not been reported in ClinVa3. Two bioinformatic tools queried predict that this substitution would be damaging, and the leucine residue at this position is evolutionarily conserved across many of the species assessed. We consider c.2780T>G in TERT to be likely pathogenic.

Literature cited by the submitters: PubMed 17296728; PubMed 35792504.

NM_198253.3(TERT):c.2780T>G (p.Leu927Arg)

Gene: TERT (telomerase reverse transcriptase; minus strand). Cytogenetic location: 5p15.33.
Variant type: single nucleotide variant.
Coding change: c.2780T>G on transcript NM_198253.3 (MANE Select); coding-DNA position 2780, T replaced by G.
Protein change: p.Leu927Arg; replaces leucine 927 with arginine.
Molecular consequence: missense variant. On other transcripts: intron variant (1).
Genome position (GRCh38, 1-based): chr5:1,264,467, A>C on the plus strand (T>G on the coding strand, the complement: TERT is on the minus strand). VCF-style: chr5-1264467-A-C. GRCh37 (hg19) VCF-style: chr5-1264582-A-C.
Other names: c.2654+1997T>G (NM_001193376.3); short protein forms L927R.
Identifiers: ClinVar variation 4280105 (VCV004280105.1).